The following is an entry in ClinVar:

ClinVar aggregate classification (germline): Uncertain significance (1 of 4 stars; one submission).

Conditions:
Combined immunodeficiency due to OX40 deficiency. Also called: Immunodeficiency 16; OX40 DEFICIENCY. Identifiers: Orphanet 431149, MedGen C3810053, MONDO:0014268, OMIM 615593.

Submission:

Labcorp Genetics (formerly Invitae), Labcorp
Classification: Uncertain significance for Combined immunodeficiency due to OX40 deficiency. Last evaluated: 2024-10-21. Review status: criteria provided, single submitter. Criteria: Invitae Variant Classification Sherloc (09022015). Collection method: clinical testing. Allele origin: germline.
Comment: This sequence change replaces glycine, which is neutral and non-polar, with arginine, which is basic and polar, at codon 211 of the TNFRSF4 protein (p.Gly211Arg). This variant is not present in population databases (gnomAD no frequency). This variant has not been reported in the literature in individuals affected with TNFRSF4-related conditions. Invitae Evidence Modeling of protein sequence and biophysical properties (such as structural, functional, and spatial information, amino acid conservation, physicochemical variation, residue mobility, and thermodynamic stability) indicates that this missense variant is not expected to disrupt TNFRSF4 protein function with a negative predictive value of 80%. In summary, the available evidence is currently insufficient to determine the role of this variant in disease. Therefore, it has been classified as a Variant of Uncertain Significance.

NM_003327.4(TNFRSF4):c.631G>C (p.Gly211Arg)

Gene: TNFRSF4 (TNF receptor superfamily member 4; minus strand). Cytogenetic location: 1p36.33.
Variant type: single nucleotide variant.
Coding change: c.631G>C on transcript NM_003327.4 (MANE Select); coding-DNA position 631, G replaced by C.
Protein change: p.Gly211Arg; replaces glycine 211 with arginine.
Molecular consequence: missense variant.
Genome position (GRCh38, 1-based): chr1:1,211,945, C>G on the plus strand (G>C on the coding strand, the complement: TNFRSF4 is on the minus strand). VCF-style: chr1-1211945-C-G. GRCh37 (hg19) VCF-style: chr1-1147325-C-G.
Other names: c.631G>C, p.Gly211Arg (NM_001410709.1); short protein forms G211R.
Identifiers: ClinVar variation 2854784 (VCV002854784.3), dbSNP rs757565777, ClinGen allele CA337798894.
Genomic context (GRCh38, chr1:1,211,945, plus strand): 5'-CCTCCCCTTCTCCTATTCGGGTTGGGGGCCCCGCTGGGCTGGGCCAGGCGCCCTTACCCC[C>G]GGGGACCTCCACGGGCCGGGTGGAGGGTCCCTGTGAGGTTCTGGGCCAGGCTTCAGTGGG-3'
Protein context (NP_003318.1, residues 201-221): GPSTRPVEVP[Gly211Arg]GRAVAAILGL